The following is an entry in ClinVar:

NM_025137.4(SPG11):c.8C>T (p.Ala3Val)

Gene: SPG11 (SPG11 vesicle trafficking associated, spatacsin; minus strand). Cytogenetic location: 15q21.1.
Variant type: single nucleotide variant.
Coding change: c.8C>T on transcript NM_025137.4 (MANE Select); coding-DNA position 8, C replaced by T.
Protein change: p.Ala3Val; replaces alanine 3 with valine.
Molecular consequence: missense variant.
Genome position (GRCh38, 1-based): chr15:44,663,640, G>A on the plus strand (C>T on the coding strand, the complement: SPG11 is on the minus strand). VCF-style: chr15-44663640-G-A. GRCh37 (hg19) VCF-style: chr15-44955838-G-A.
Other names: c.8C>T, p.Ala3Val (NM_001160227.2, NM_001411132.1); short protein forms A3V.
Identifiers: ClinVar variation 2050683 (VCV002050683.4), dbSNP rs750206191, ClinGen allele CA7535991.
Genomic context (GRCh38, chr15:44,663,640, plus strand): 5'-CCCATGGCCGCGGTGCCCCAGCTACCGCCGGCGGAAGCAGCACTCGCGACCCCTTCCTCT[G>A]CAGCCATCTTGGCCCGGCGGTTACTTCCGGTCACTTTCGCCGGAACCTGACTGCGTCGTG-3'
Protein context (NP_079413.3, residues 1-13): MA[Ala3Val]EEGVASAASA

ClinVar aggregate classification (germline): Uncertain significance (1 of 4 stars; one submission).

Conditions:
Hereditary spastic paraplegia 11. Also called: Spastic Paraplegia 11; Spastic paraplegia, mental retardation and thin corpus callosum; Nakamura Osame syndrome; Autosomal recessive hereditary spastic paraplegia, mental impairment, and thin corpus callosum; SPASTIC PARAPLEGIA, AUTOSOMAL RECESSIVE, COMPLICATED, WITH THIN CORPUS CALLOSUM; SPASTIC PARAPLEGIA, AUTOSOMAL RECESSIVE, WITH MENTAL IMPAIRMENT AND THIN CORPUS CALLOSUM. Identifiers: Orphanet 2822, MedGen C1858479, MONDO:0011445, OMIM 604360.

Allele frequency attached by ClinVar (database versions not stated): gnomAD exomes below 0.00001; ExAC 0.00002.
gnomAD v4.1: 2 of 1,594,512 alleles (0.00013%); highest among the groups gnomAD compares: Admixed American, 0.0034%; no homozygotes.

Submission:

Labcorp Genetics (formerly Invitae), Labcorp
Classification: Uncertain significance for Hereditary spastic paraplegia 11. Last evaluated: 2022-03-26. Review status: criteria provided, single submitter. Criteria: Invitae Variant Classification Sherloc (09022015). Collection method: clinical testing. Allele origin: germline.
Comment: In summary, the available evidence is currently insufficient to determine the role of this variant in disease. Therefore, it has been classified as a Variant of Uncertain Significance. Algorithms developed to predict the effect of missense changes on protein structure and function are either unavailable or do not agree on the potential impact of this missense change (SIFT: "Tolerated"; PolyPhen-2: "Not Available"; Align-GVGD: "Class C0"). This variant has not been reported in the literature in individuals affected with SPG11-related conditions. The frequency data for this variant in the population databases is considered unreliable, as metrics indicate poor data quality at this position in the gnomAD database. This sequence change replaces alanine, which is neutral and non-polar, with valine, which is neutral and non-polar, at codon 3 of the SPG11 protein (p.Ala3Val).